The following is an entry in ClinVar:

NM_000465.4(BARD1):c.363A>G (p.Ser121=)

Gene: BARD1 (BRCA1 associated RING domain 1; minus strand). Cytogenetic location: 2q35.
Variant type: single nucleotide variant.
Coding change: c.363A>G on transcript NM_000465.4 (MANE Select); coding-DNA position 363, A replaced by G.
Protein change: p.Ser121=; no amino-acid change (serine 121 retained).
Molecular consequence: synonymous variant. On other transcripts: non-coding transcript variant (1), intron variant (2).
Genome position (GRCh38, 1-based): chr2:214,792,298, T>C on the plus strand (A>G on the coding strand, the complement: BARD1 is on the minus strand). VCF-style: chr2-214792298-T-C. GRCh37 (hg19) VCF-style: chr2-215657022-T-C.
Other names: c.306A>G, p.Ser102= (NM_001282543.2); c.363A>G, p.Ser121= (NM_001282549.2); c.158+17114A>G (NM_001282548.2); c.215+4763A>G (NM_001282545.2).
Identifiers: ClinVar variation 448989 (VCV000448989.15), dbSNP rs1553624704, ClinGen allele CA431141327.

ClinVar aggregate classification (germline): Conflicting classifications of pathogenicity. Review status: criteria provided, conflicting classifications (1 of 4 stars). 4 submissions from 4 submitters: Uncertain significance (3); Likely benign (1). Last evaluated 2025-12-29.

Conditions:
Hereditary cancer-predisposing syndrome. Also called: Neoplastic Syndromes, Hereditary; Hereditary neoplastic syndrome; Hereditary Cancer Syndrome; Tumor predisposition. Identifiers: Orphanet 140162, MedGen C0027672, MeSH D009386, MONDO:0015356.
Familial cancer of breast. Also called: BREAST CANCER, FAMILIAL; hereditary breast carcinoma; Hereditary breast cancer. Identifiers: Orphanet 227535, MedGen C0346153, MONDO:0016419, OMIM 114480. Disease mechanism: loss of function.

gnomAD v4.1: 2 of 1,613,344 alleles (0.00012%); highest among the groups gnomAD compares: Non-Finnish European, 0.00017%; no homozygotes.

Submissions (4):

Labcorp Genetics (formerly Invitae), Labcorp
Classification: Uncertain significance for Familial cancer of breast. Last evaluated: 2025-12-29. Review status: criteria provided, single submitter. Criteria: Invitae Variant Classification Sherloc (09022015). Collection method: clinical testing. Allele origin: germline.
Comment: This sequence change affects codon 121 of the BARD1 mRNA. It is a 'silent' change, meaning that it does not change the encoded amino acid sequence of the BARD1 protein. It affects a nucleotide within the consensus splice site. This variant is not present in population databases (gnomAD no frequency). This variant has not been reported in the literature in individuals affected with BARD1-related conditions. ClinVar contains an entry for this variant (Variation ID: 448989). Algorithms developed to predict the effect of sequence changes on RNA splicing suggest that this variant is not likely to affect RNA splicing. In summary, the available evidence is currently insufficient to determine the role of this variant in disease. Therefore, it has been classified as a Variant of Uncertain Significance.

Quest Diagnostics Nichols Institute San Juan Capistrano
Classification: Uncertain significance. Last evaluated: 2024-10-28. Review status: criteria provided, single submitter. Criteria: Quest Diagnostics criteria. Collection method: clinical testing. Allele origin: unknown.
Comment: The BARD1 c.363A>G (p.Ser121=) synonymous variant has not been reported in individuals with BARD1-related conditions in the published literature. It also has not been reported in large, multi-ethnic general populations (Genome Aggregation Database). Analysis of this variant using software algorithms for the prediction of the effect of nucleotide changes on splicing yielded predictions that this variant does not affect BARD1 mRNA splicing. Based on the available information, we are unable to determine the clinical significance of this variant.

GeneDx
Classification: Uncertain significance. Last evaluated: 2023-09-22. Review status: criteria provided, single submitter. Criteria: GeneDx Variant Classification Process June 2021. Collection method: clinical testing. Allele origin: germline. Affected: yes.
Comment: Not observed at significant frequency in large population cohorts (gnomAD); In silico analysis supports that this variant does not alter splicing; Has not been previously published as pathogenic or benign to our knowledge

Ambry Genetics
Classification: Likely benign for Hereditary cancer-predisposing syndrome. Last evaluated: 2020-03-04. Review status: criteria provided, single submitter. Criteria: Ambry Variant Classification Scheme 2023. Collection method: clinical testing. Allele origin: germline.